The following is an entry in ClinVar:

ClinVar aggregate classification (germline): Uncertain significance. Review status: criteria provided, multiple submitters, no conflicts (2 of 4 stars). 2 submissions from 2 submitters: Uncertain significance (2). Last evaluated 2025-05-25.

Conditions:
Inborn genetic diseases. Identifiers: MedGen C0950123, MeSH D030342.

gnomAD v4.1: 24 of 1,612,568 alleles (0.0015%); highest among the groups gnomAD compares: African/African-American, 0.004%; no homozygotes.

Submissions (2):

Ambry Genetics
Classification: Uncertain significance for Inborn genetic diseases. Last evaluated: 2025-05-25. Review status: criteria provided, single submitter. Criteria: Ambry Variant Classification Scheme 2023. Collection method: clinical testing. Allele origin: germline.

GeneDx
Classification: Uncertain significance. Last evaluated: 2024-07-24. Review status: criteria provided, single submitter. Criteria: GeneDx Variant Classification Process June 2021. Collection method: clinical testing. Allele origin: germline. Affected: yes.
Comment: In silico analysis supports that this missense variant has a deleterious effect on protein structure/function; Has not been previously published as pathogenic or benign to our knowledge

NM_198578.4(LRRK2):c.4384C>T (p.Arg1462Cys)

Gene: LRRK2 (leucine rich repeat kinase 2; plus strand). Cytogenetic location: 12q12.
Variant type: single nucleotide variant.
Coding change: c.4384C>T on transcript NM_198578.4 (MANE Select); coding-DNA position 4384, C replaced by T.
Protein change: p.Arg1462Cys; replaces arginine 1462 with cysteine.
Molecular consequence: missense variant.
Genome position (GRCh38, 1-based): chr12:40,310,497, C>T. VCF-style: chr12-40310497-C-T. GRCh37 (hg19) VCF-style: chr12-40704299-C-T.
Other names: short protein forms R1462C.
Identifiers: ClinVar variation 3600817 (VCV003600817.2).
Genomic context (GRCh38, chr12:40,310,497, plus strand): 5'-GCTTCTTCTTCCCCTGTGATTCTCGTTGGCACACATTTGGATGTTTCTGATGAGAAGCAA[C>T]GCAAAGCCTGCATGAGTAAAATCACCAAGGAACTCCTGAATAAGCGAGGGTTCCCTGCCA-3'
Protein context (NP_940980.4, residues 1452-1472): THLDVSDEKQ[Arg1462Cys]KACMSKITKE